The following is an entry in ClinVar:

NM_001365951.3(KIF1B):c.2771C>A (p.Ala924Asp)

Genes: KIF1B (kinesin family member 1B; plus strand), LOC126805614 (BRD4-independent group 4 enhancer GRCh37_chr1:10385546-10386745; plus strand). Cytogenetic location: 1p36.22.
Variant type: single nucleotide variant.
Coding change: c.2771C>A on transcript NM_001365951.3 (MANE Select); coding-DNA position 2771, C replaced by A.
Protein change: p.Ala924Asp; replaces alanine 924 with aspartic acid.
Molecular consequence: missense variant.
Genome position (GRCh38, 1-based): chr1:10,326,206, C>A. VCF-style: chr1-10326206-C-A. GRCh37 (hg19) VCF-style: chr1-10386264-C-A.
Other names: c.2771C>A, p.Ala924Asp (NM_001365952.1); c.2633C>A, p.Ala878Asp (NM_015074.3); short protein forms A878D, A924D.
Identifiers: ClinVar variation 3226411 (VCV003226411.1), dbSNP rs2521639587, ClinGen allele CA338337078.
Genomic context (GRCh38, chr1:10,326,206, plus strand): 5'-TTGCCGACCGCACACCCTCCCCCACTTTTTCCACGGCCGATTCCGACATCACTGAGCTGG[C>A]TGACGAGCAGCAAGATGAGATGGAGGATTTTGATGATGAGGCATTCGTGGATGACGCCGG-3'
Protein context (NP_001352880.1, residues 914-934): STADSDITEL[Ala924Asp]DEQQDEMEDF

ClinVar aggregate classification (germline): Uncertain significance (1 of 4 stars; one submission).

Submission:

Ambry Genetics
Classification: Uncertain significance. Last evaluated: 2024-02-22. Review status: criteria provided, single submitter. Criteria: Ambry Variant Classification Scheme 2023. Collection method: clinical testing. Allele origin: germline.
Comment: The p.A878D variant (also known as c.2633C>A), located in coding exon 24 of the KIF1B gene, results from a C to A substitution at nucleotide position 2633. The alanine at codon 878 is replaced by aspartic acid, an amino acid with dissimilar properties. This amino acid position is conserved. In addition, this alteration is predicted to be deleterious by in silico analysis. Based on the available evidence, the clinical significance of this alteration remains unclear.